The following is an entry in ClinVar:

NM_000195.5(HPS1):c.1930G>A (p.Asp644Asn)

Gene: HPS1 (HPS1 biogenesis of lysosomal organelles complex 3 subunit 1; minus strand). Cytogenetic location: 10q24.2.
Variant type: single nucleotide variant.
Coding change: c.1930G>A on transcript NM_000195.5 (MANE Select); coding-DNA position 1930, G replaced by A.
Protein change: p.Asp644Asn; replaces aspartic acid 644 with asparagine.
Molecular consequence: missense variant.
Genome position (GRCh38, 1-based): chr10:98,418,185, C>T on the plus strand (G>A on the coding strand, the complement: HPS1 is on the minus strand). VCF-style: chr10-98418185-C-T. GRCh37 (hg19) VCF-style: chr10-100177942-C-T.
Other names: c.958G>A, p.Asp320Asn (NM_001311345.2, NM_001322487.2, NM_001322489.2); c.1930G>A, p.Asp644Asn (NM_001322476.2, NM_001322477.2); c.1831G>A, p.Asp611Asn (NM_001322478.2, NM_001322479.2); c.1669G>A, p.Asp557Asn (NM_001322480.2, NM_001322481.2); c.1570G>A, p.Asp524Asn (NM_001322482.2); c.1561G>A, p.Asp521Asn (NM_001322483.2, NM_001322484.2); c.1462G>A, p.Asp488Asn (NM_001322485.2); c.1930G>A (NM_000195.3); short protein forms D320N, D524N, D611N, D488N, D521N, D557N, D644N.
Identifiers: ClinVar variation 1981164 (VCV001981164.4), dbSNP rs1447345461, ClinGen allele CA378042718.

ClinVar aggregate classification (germline): Uncertain significance. Review status: criteria provided, multiple submitters, no conflicts (2 of 4 stars). 2 submissions from 2 submitters: Uncertain significance (2). Last evaluated 2024-09-27.

Allele frequency attached by ClinVar (database versions not stated): TOPMed below 0.00001; gnomAD exomes 0.00001.
gnomAD v4.1: 19 of 1,605,566 alleles (0.0012%); highest among the groups gnomAD compares: Non-Finnish European, 0.0014%; no homozygotes.

Submissions (2):

Labcorp Genetics (formerly Invitae), Labcorp
Classification: Uncertain significance. Last evaluated: 2024-09-27. Review status: criteria provided, single submitter. Criteria: Invitae Variant Classification Sherloc (09022015). Collection method: clinical testing. Allele origin: germline.
Comment: This sequence change replaces aspartic acid, which is acidic and polar, with asparagine, which is neutral and polar, at codon 644 of the HPS1 protein (p.Asp644Asn). This variant is not present in population databases (gnomAD no frequency). This variant has not been reported in the literature in individuals affected with HPS1-related conditions. ClinVar contains an entry for this variant (Variation ID: 1981164). Invitae Evidence Modeling of protein sequence and biophysical properties (such as structural, functional, and spatial information, amino acid conservation, physicochemical variation, residue mobility, and thermodynamic stability) indicates that this missense variant is not expected to disrupt HPS1 protein function with a negative predictive value of 80%. In summary, the available evidence is currently insufficient to determine the role of this variant in disease. Therefore, it has been classified as a Variant of Uncertain Significance.

GeneDx
Classification: Uncertain significance. Last evaluated: 2024-06-20. Review status: criteria provided, single submitter. Criteria: GeneDx Variant Classification Process June 2021. Collection method: clinical testing. Allele origin: germline. Affected: yes.
Comment: Not observed at significant frequency in large population cohorts (gnomAD); In silico analysis supports that this missense variant has a deleterious effect on protein structure/function; Has not been previously published as pathogenic or benign to our knowledge